The following is an entry in ClinVar:

NM_006662.3(SRCAP):c.8312G>A (p.Arg2771Gln)

Gene: SRCAP (Snf2 related CREBBP activator protein; plus strand). Cytogenetic location: 16p11.2.
Variant type: single nucleotide variant.
Coding change: c.8312G>A on transcript NM_006662.3 (MANE Select); coding-DNA position 8312, G replaced by A.
Protein change: p.Arg2771Gln; replaces arginine 2771 with glutamine.
Molecular consequence: missense variant.
Genome position (GRCh38, 1-based): chr16:30,738,352, G>A. VCF-style: chr16-30738352-G-A. GRCh37 (hg19) VCF-style: chr16-30749673-G-A.
Other names: short protein forms R2771Q.
Identifiers: ClinVar variation 2897526 (VCV002897526.4), dbSNP rs568088663, ClinGen allele CA8012660.

ClinVar aggregate classification (germline): Uncertain significance. Review status: criteria provided, multiple submitters, no conflicts (2 of 4 stars). 2 submissions from 2 submitters: Uncertain significance (2). Last evaluated 2025-07-09.

Conditions:
Developmental delay, hypotonia, musculoskeletal defects, and behavioral abnormalities. Identifiers: MedGen C5562012, MONDO:0859202, OMIM 619595.
Floating-Harbor syndrome (FLHS). Also called: SRCAP-Related Floating-Harbor Syndrome; Short stature with delayed bone age, expressive language delay, a triangular face with a prominent nose and deep-set eyes; Pelletier-Leisti syndrome. Identifiers: Orphanet 2044, MedGen C0729582, MONDO:0007621, OMIM 136140.

Allele frequency attached by ClinVar (database versions not stated): gnomAD exomes 0.00001; ExAC 0.00002; gnomAD 0.00002; TOPMed 0.00002; 1000 Genomes Project 30x 0.00016; 1000 Genomes Project 0.00020.
gnomAD v4.1: 19 of 1,569,828 alleles (0.0012%); highest among the groups gnomAD compares: African/African-American, 0.0054%; no homozygotes.

Submissions (2):

Labcorp Genetics (formerly Invitae), Labcorp
Classification: Uncertain significance. Last evaluated: 2025-07-09. Review status: criteria provided, single submitter. Criteria: Invitae Variant Classification Sherloc (09022015). Collection method: clinical testing. Allele origin: germline.
Comment: This sequence change replaces arginine, which is basic and polar, with glutamine, which is neutral and polar, at codon 2771 of the SRCAP protein (p.Arg2771Gln). This variant is present in population databases (rs568088663, gnomAD 0.007%). This variant has not been reported in the literature in individuals affected with SRCAP-related conditions. ClinVar contains an entry for this variant (Variation ID: 2897526). Invitae Evidence Modeling of protein sequence and biophysical properties (such as structural, functional, and spatial information, amino acid conservation, physicochemical variation, residue mobility, and thermodynamic stability) indicates that this missense variant is not expected to disrupt SRCAP protein function with a negative predictive value of 80%. In summary, the available evidence is currently insufficient to determine the role of this variant in disease. Therefore, it has been classified as a Variant of Uncertain Significance.

Fulgent Genetics
Classification: Uncertain significance for Floating-Harbor syndrome; Developmental delay, hypotonia, musculoskeletal defects, and behavioral abnormalities. Last evaluated: 2024-01-01. Review status: criteria provided, single submitter. Criteria: ACMG Guidelines, 2015. Collection method: clinical testing. Allele origin: germline.